The following is an entry in ClinVar:

NM_170606.3(KMT2C):c.11420A>T (p.Asp3807Val)

Gene: KMT2C (lysine methyltransferase 2C; minus strand). Cytogenetic location: 7q36.1.
Variant type: single nucleotide variant.
Coding change: c.11420A>T on transcript NM_170606.3 (MANE Select); coding-DNA position 11420, A replaced by T.
Protein change: p.Asp3807Val; replaces aspartic acid 3807 with valine.
Molecular consequence: missense variant.
Genome position (GRCh38, 1-based): chr7:152,162,157, T>A on the plus strand (A>T on the coding strand, the complement: KMT2C is on the minus strand). VCF-style: chr7-152162157-T-A. GRCh37 (hg19) VCF-style: chr7-151859242-T-A.
Other names: short protein forms D3807V.
Identifiers: ClinVar variation 1309273 (VCV001309273.2), dbSNP rs755067787, ClinGen allele CA370100719.

ClinVar aggregate classification (germline): Uncertain significance (1 of 4 stars; one submission).

Submission:

GeneDx
Classification: Uncertain significance. Last evaluated: 2019-10-22. Review status: criteria provided, single submitter. Criteria: GeneDx Variant Classification Process June 2021. Collection method: clinical testing. Allele origin: germline. Affected: yes.
Comment: Not observed in large population cohorts (Lek et al., 2016); In silico analysis, which includes protein predictors and evolutionary conservation, supports a deleterious effect; Has not been previously published as pathogenic or benign to our knowledge